The following is an entry in ClinVar:

ClinVar aggregate classification (germline): Uncertain significance (1 of 4 stars; one submission).

Conditions:
Episodic ataxia type 2 (EA2). Also called: ATAXIA, EPISODIC, WITH NYSTAGMUS; ATAXIA, FAMILIAL PAROXYSMAL; ACETAZOLAMIDE-RESPONSIVE HEREDITARY PAROXYSMAL CEREBELLAR ATAXIA; CEREBELLAR ATAXIA, PAROXYSMAL, ACETAZOLAMIDE-RESPONSIVE; CEREBELLOPATHY, HEREDITARY PAROXYSMAL; EPISODIC ATAXIA, NYSTAGMUS-ASSOCIATED. Identifiers: Orphanet 97, MedGen C1720416, MONDO:0007163, OMIM 108500.
Developmental and epileptic encephalopathy, 42 (DEE42A). Also called: Epileptic encephalopathy, early infantile, 42; DEVELOPMENTAL AND EPILEPTIC ENCEPHALOPATHY 42A; EPILEPTIC ENCEPHALOPATHY, EARLY INFANTILE, 42A. Identifiers: MedGen C4310716, MONDO:0014917, OMIM 617106.

gnomAD v4.1: 1 of 1,599,668 alleles (0.000063%); highest among the groups gnomAD compares: Non-Finnish European, 0.000085%; no homozygotes.

Submission:

Labcorp Genetics (formerly Invitae), Labcorp
Classification: Uncertain significance for Developmental and epileptic encephalopathy, 42; Episodic ataxia type 2. Last evaluated: 2024-12-16. Review status: criteria provided, single submitter. Criteria: Invitae Variant Classification Sherloc (09022015). Collection method: clinical testing. Allele origin: germline.
Comment: This sequence change replaces isoleucine, which is neutral and non-polar, with threonine, which is neutral and polar, at codon 1859 of the CACNA1A protein (p.Ile1859Thr). This variant is not present in population databases (gnomAD no frequency). This variant has not been reported in the literature in individuals affected with CACNA1A-related conditions. Invitae Evidence Modeling of protein sequence and biophysical properties (such as structural, functional, and spatial information, amino acid conservation, physicochemical variation, residue mobility, and thermodynamic stability) has been performed for this missense variant. However, the output from this modeling did not meet the statistical confidence thresholds required to predict the impact of this variant on CACNA1A protein function. In summary, the available evidence is currently insufficient to determine the role of this variant in disease. Therefore, it has been classified as a Variant of Uncertain Significance.

NM_001127221.2(CACNA1A):c.5576T>C (p.Ile1859Thr)

Gene: CACNA1A (calcium voltage-gated channel subunit alpha1 A; minus strand). Cytogenetic location: 19p13.13.
Variant type: single nucleotide variant.
Coding change: c.5576T>C on transcript NM_001127221.2 (MANE Plus Clinical); coding-DNA position 5576, T replaced by C.
Protein change: p.Ile1859Thr; replaces isoleucine 1859 with threonine.
Molecular consequence: missense variant. On other transcripts: intron variant (4).
Genome position (GRCh38, 1-based): chr19:13,228,751, A>G on the plus strand (T>C on the coding strand, the complement: CACNA1A is on the minus strand). VCF-style: chr19-13228751-A-G. GRCh37 (hg19) VCF-style: chr19-13339565-A-G.
Other names: c.5529-1224T>C (NM_001127222.2); c.5538-1224T>C (NM_001174080.2); c.5547-1224T>C (NM_000068.4, NM_023035.3); short protein forms I1859T.
Identifiers: ClinVar variation 3761314 (VCV003761314.2).